The following is an entry in ClinVar:

NM_000540.3(RYR1):c.13926C>T (p.Pro4642=)

Gene: RYR1 (ryanodine receptor 1; plus strand). Cytogenetic location: 19q13.2.
Variant type: single nucleotide variant.
Coding change: c.13926C>T on transcript NM_000540.3 (MANE Select); coding-DNA position 13926, C replaced by T.
Protein change: p.Pro4642=; no amino-acid change (proline 4642 retained).
Molecular consequence: synonymous variant.
Genome position (GRCh38, 1-based): chr19:38,572,198, C>T. VCF-style: chr19-38572198-C-T. GRCh37 (hg19) VCF-style: chr19-39062838-C-T.
Other names: c.13911C>T, p.Pro4637= (NM_001042723.2).
Identifiers: ClinVar variation 506897 (VCV000506897.11), dbSNP rs559685703, ClinGen allele CA060654.

ClinVar aggregate classification (germline): Benign/Likely benign. Review status: criteria provided, multiple submitters, no conflicts (2 of 4 stars). 3 submissions from 3 submitters: Benign (1); Likely benign (2). Last evaluated 2026-01-07.

Conditions:
RYR1-related disorder. Also called: RYR1-related condition; RYR1-related disorders. Identifiers: MedGen CN239331.
Malignant hyperthermia, susceptibility to, 1 (MHS1). Also called: Anesthesia related hyperthermia; Malignant hyperpyrexia; Fulminating hyperpyrexia; Pharmacogenic myopathy; RYR1-Related Malignant Hyperthermia Susceptibility; Malignant hyperthermia suceptibility 1. Identifiers: Orphanet 423, MedGen C2930980, MONDO:0007783, OMIM 145600.

Allele frequency attached by ClinVar (database versions not stated): gnomAD 0.00001 and 0.00005; TOPMed 0.00003; gnomAD exomes 0.00014 and 0.00035; 1000 Genomes Project 30x 0.00016; 1000 Genomes Project 0.00020; ExAC 0.00036.
gnomAD v4.1: 217 of 1,613,998 alleles (0.013%); highest among the groups gnomAD compares: South Asian, 0.21%; 1 homozygote.

Submissions (3):

Labcorp Genetics (formerly Invitae), Labcorp
Classification: Benign for RYR1-related disorder. Last evaluated: 2026-01-07. Review status: criteria provided, single submitter. Criteria: Invitae Variant Classification Sherloc (09022015). Collection method: clinical testing. Allele origin: germline.

Color Diagnostics, LLC DBA Color Health
Classification: Likely benign for Malignant hyperthermia, susceptibility to, 1. Last evaluated: 2022-11-06. Review status: criteria provided, single submitter. Criteria: ACMG Guidelines, 2015. Collection method: clinical testing. Allele origin: germline.

GeneDx
Classification: Likely benign. Last evaluated: 2017-01-20. Review status: criteria provided, single submitter. Criteria: GeneDx Variant Classification (06012015). Collection method: clinical testing. Allele origin: germline. Affected: yes.
Comment: This variant is considered likely benign or benign based on one or more of the following criteria: it is a conservative change, it occurs at a poorly conserved position in the protein, it is predicted to be benign by multiple in silico algorithms, and/or has population frequency not consistent with disease.